The following is an entry in ClinVar:

NM_019032.6(ADAMTSL4):c.2491C>G (p.Pro831Ala)

Gene: ADAMTSL4 (ADAMTS like 4; plus strand). Cytogenetic location: 1q21.2.
Variant type: single nucleotide variant.
Coding change: c.2491C>G on transcript NM_019032.6 (MANE Select); coding-DNA position 2491, C replaced by G.
Protein change: p.Pro831Ala; replaces proline 831 with alanine.
Molecular consequence: missense variant.
Genome position (GRCh38, 1-based): chr1:150,558,581, C>G. VCF-style: chr1-150558581-C-G. GRCh37 (hg19) VCF-style: chr1-150531057-C-G.
Other names: c.2374C>G, p.Pro792Ala (NM_001288607.2); c.2560C>G, p.Pro854Ala (NM_001288608.2); c.2491C>G, p.Pro831Ala (NM_001378596.1, NM_025008.5); c.2491C>G (NM_019032.4); short protein forms P831A, P854A, P792A.
Identifiers: ClinVar variation 1912281 (VCV001912281.6), dbSNP rs759874921, ClinGen allele CA342315237.

ClinVar aggregate classification (germline): Uncertain significance. Review status: criteria provided, multiple submitters, no conflicts (2 of 4 stars). 2 submissions from 2 submitters: Uncertain significance (2). Last evaluated 2025-03-03.

Conditions:
Inborn genetic diseases. Identifiers: MedGen C0950123, MeSH D030342.

gnomAD v4.1: 5 of 1,613,812 alleles (0.00031%); highest among the groups gnomAD compares: Admixed American, 0.0067%; no homozygotes.

Submissions (2):

Labcorp Genetics (formerly Invitae), Labcorp
Classification: Uncertain significance. Last evaluated: 2025-03-03. Review status: criteria provided, single submitter. Criteria: Invitae Variant Classification Sherloc (09022015). Collection method: clinical testing. Allele origin: germline.
Comment: This sequence change replaces proline, which is neutral and non-polar, with alanine, which is neutral and non-polar, at codon 831 of the ADAMTSL4 protein (p.Pro831Ala). This variant is present in population databases (no rsID available, gnomAD 0.006%). This variant has not been reported in the literature in individuals affected with ADAMTSL4-related conditions. ClinVar contains an entry for this variant (Variation ID: 1912281). Invitae Evidence Modeling of protein sequence and biophysical properties (such as structural, functional, and spatial information, amino acid conservation, physicochemical variation, residue mobility, and thermodynamic stability) indicates that this missense variant is not expected to disrupt ADAMTSL4 protein function with a negative predictive value of 80%. In summary, the available evidence is currently insufficient to determine the role of this variant in disease. Therefore, it has been classified as a Variant of Uncertain Significance.

Ambry Genetics
Classification: Uncertain significance for Inborn genetic diseases. Last evaluated: 2023-12-20. Review status: criteria provided, single submitter. Criteria: Ambry Variant Classification Scheme 2023. Collection method: clinical testing. Allele origin: germline.